The following is an entry in ClinVar:

NM_201548.5(CERKL):c.566del (p.Lys189fs)

Gene: CERKL (CERK like autophagy regulator; minus strand). Cytogenetic location: 2q31.3.
Variant type: Deletion.
Coding change: c.566del on transcript NM_201548.5 (MANE Select); coding-DNA position 566, one base deleted (A; older notation c.566delA).
Protein change: p.Lys189fs; shifts the reading frame from lysine 189.
Molecular consequence: frameshift variant. On other transcripts: non-coding transcript variant (1), intron variant (2).
Genome position (GRCh38, 1-based): chr2:181,573,800, T deleted on the plus strand (A on the coding strand, the reverse complement: CERKL is on the minus strand); the first of 2 consecutive T bases (chr2:181,573,800-181,573,801); deleting either gives the same sequence. VCF-style (leftmost placement, unchanged base first): chr2-181573799-CT-C. GRCh37 (hg19) VCF-style: chr2-182438526-CT-C.
Other names: c.566del, p.Lys189fs (NM_001030311.3, NM_001030313.3); c.482-24092del (NM_001030312.3); c.482-7679del (NM_001160277.2); short protein forms K189fs.
Identifiers: ClinVar variation 961057 (VCV000961057.10), dbSNP rs1255407239, ClinGen allele CA761569032.

ClinVar aggregate classification (germline): Pathogenic (1 of 4 stars; one submission).

Submission:

Labcorp Genetics (formerly Invitae), Labcorp
Classification: Pathogenic. Last evaluated: 2022-07-19. Review status: criteria provided, single submitter. Criteria: Invitae Variant Classification Sherloc (09022015). Collection method: clinical testing. Allele origin: germline.
Comment: ClinVar contains an entry for this variant (Variation ID: 961057). For these reasons, this variant has been classified as Pathogenic. Algorithms developed to predict the effect of sequence changes on RNA splicing suggest that this variant may disrupt the consensus splice site. This variant has not been reported in the literature in individuals affected with CERKL-related conditions. This variant is not present in population databases (gnomAD no frequency). This sequence change creates a premature translational stop signal (p.Lys189Argfs*6) in the CERKL gene. It is expected to result in an absent or disrupted protein product. Loss-of-function variants in CERKL are known to be pathogenic (PMID: 14681825, 23591405, 24043777).

Literature cited by the submitters: PubMed 14681825; PubMed 23591405; PubMed 24043777.